The following is an entry in ClinVar:

NM_032608.7(MYO18B):c.6856G>T (p.Ala2286Ser)

Gene: MYO18B (myosin XVIIIB; plus strand). Cytogenetic location: 22q12.1.
Variant type: single nucleotide variant.
Coding change: c.6856G>T on transcript NM_032608.7 (MANE Select); coding-DNA position 6856, G replaced by T.
Protein change: p.Ala2286Ser; replaces alanine 2286 with serine.
Molecular consequence: missense variant.
Genome position (GRCh38, 1-based): chr22:26,026,830, G>T. VCF-style: chr22-26026830-G-T. GRCh37 (hg19) VCF-style: chr22-26422796-G-T.
Other names: c.6859G>T, p.Ala2287Ser (NM_001318245.2); short protein forms A2287S, A2286S.
Identifiers: ClinVar variation 1410865 (VCV001410865.6), dbSNP rs746030498, ClinGen allele CA10161635.

ClinVar aggregate classification (germline): Uncertain significance. Review status: criteria provided, multiple submitters, no conflicts (2 of 4 stars). 3 submissions from 3 submitters: Uncertain significance (3). Last evaluated 2024-11-20.

Conditions:
Klippel-Feil anomaly-myopathy-facial dysmorphism syndrome. Also called: Klippel-Feil syndrome 4, autosomal recessive, with myopathy and facial dysmorphism; Klippel-feil syndrome 4, autosomal recessive, with nemaline myopathy and facial dysmorphism. Identifiers: Orphanet 447974, MedGen C4225285, MONDO:0014689, OMIM 616549.

Allele frequency attached by ClinVar (database versions not stated): ExAC 0.00002; gnomAD 0.00002; gnomAD exomes 0.00002 and 0.00003; TOPMed 0.00002.
gnomAD v4.1: 35 of 1,593,658 alleles (0.0022%); highest among the groups gnomAD compares: Non-Finnish European, 0.0029%; no homozygotes.

Submissions (3):

Revvity Omics, Revvity
Classification: Uncertain significance for Klippel-Feil anomaly-myopathy-facial dysmorphism syndrome. Last evaluated: 2024-11-20. Review status: criteria provided, single submitter. Criteria: ACMG Guidelines, 2015. Collection method: clinical testing. Allele origin: germline.

Labcorp Genetics (formerly Invitae), Labcorp
Classification: Uncertain significance. Last evaluated: 2023-10-13. Review status: criteria provided, single submitter. Criteria: Invitae Variant Classification Sherloc (09022015). Collection method: clinical testing. Allele origin: germline.
Comment: This sequence change replaces alanine, which is neutral and non-polar, with serine, which is neutral and polar, at codon 2286 of the MYO18B protein (p.Ala2286Ser). The frequency data for this variant in the population databases is considered unreliable, as metrics indicate poor data quality at this position in the gnomAD database. This variant has not been reported in the literature in individuals affected with MYO18B-related conditions. ClinVar contains an entry for this variant (Variation ID: 1410865). An algorithm developed to predict the effect of missense changes on protein structure and function (PolyPhen-2) suggests that this variant is likely to be disruptive. In summary, the available evidence is currently insufficient to determine the role of this variant in disease. Therefore, it has been classified as a Variant of Uncertain Significance.

Blueprint Genetics
Classification: Uncertain significance. Last evaluated: 2023-07-13. Review status: criteria provided, single submitter. Criteria: ACMG Guidelines, 2015. Collection method: clinical testing. Allele origin: germline.